The following is an entry in ClinVar:

NM_007294.4(BRCA1):c.5155_5159delinsAAA (p.Val1719fs)

Gene: BRCA1 (BRCA1 DNA repair associated; minus strand). Cytogenetic location: 17q21.31.
Variant type: Indel.
Coding change: c.5155_5159delinsAAA on transcript NM_007294.4 (MANE Select); coding-DNA positions 5155 to 5159, GTGAC replaced by AAA.
Protein change: p.Val1719fs; shifts the reading frame from valine 1719.
Molecular consequence: frameshift variant. On other transcripts: non-coding transcript variant (1).
Genome position (GRCh38, 1-based): chr17:43,063,367-43,063,371, GTCAC replaced by TTT on the plus strand (GTGAC replaced by AAA on the coding strand, the reverse complement: BRCA1 is on the minus strand). VCF-style: chr17-43063367-GTCAC-TTT. GRCh37 (hg19) VCF-style: chr17-41215384-GTCAC-TTT.
Other names: c.5074_5078delGTGACinsAAA, p.Val1692Lysfs (NM_001407657.1, NM_001407658.1, NM_001407656.1); c.4648_4652delGTGACinsAAA, p.Val1550Lysfs (NM_001407965.1); c.5155_5159delGTGACinsAAA, p.Val1719Lysfs (NM_001407598.1, NM_001407602.1, NM_001407603.1 and 7 more transcripts); c.4267_4271delGTGACinsAAA, p.Val1423Lysfs (NM_001407966.1); c.4264_4268delGTGACinsAAA, p.Val1422Lysfs (NM_001407967.1); c.5071_5075delGTGACinsAAA, p.Val1691Lysfs (NM_001407659.1, NM_001407660.1, NM_001407661.1 and 2 more transcripts); c.2551_2555delGTGACinsAAA, p.Val851Lysfs (NM_001407968.1); c.2548_2552delGTGACinsAAA, p.Val850Lysfs (NM_001407969.1); and 75 more; short protein forms V1672fs, V1740fs, V1719fs, V615fs.
Identifiers: ClinVar variation 531409 (VCV000531409.7), dbSNP rs1555578398, ClinGen allele CA658798067.

ClinVar aggregate classification (germline): Pathogenic (1 of 4 stars; one submission).

Conditions:
Hereditary breast ovarian cancer syndrome. Also called: Hereditary breast and ovarian cancer syndrome (HBOC); BRCA1- and BRCA2-Associated Hereditary Breast and Ovarian Cancer; Hereditary breast and ovarian cancer syndrome; Breast and ovarian cancer; Hereditary breast and ovarian cancer; Hereditary breast and/or ovarian cancer syndrome. Identifiers: Orphanet 145, MedGen C0677776, MeSH D061325, MONDO:0003582. Disease mechanism: loss of function.

Submission:

Labcorp Genetics (formerly Invitae), Labcorp
Classification: Pathogenic for Hereditary breast ovarian cancer syndrome. Last evaluated: 2025-04-08. Review status: criteria provided, single submitter. Criteria: Invitae Variant Classification Sherloc (09022015). Collection method: clinical testing. Allele origin: germline.
Comment: This sequence change creates a premature translational stop signal (p.Val1719Lysfs*5) in the BRCA1 gene. It is expected to result in an absent or disrupted protein product. Loss-of-function variants in BRCA1 are known to be pathogenic (PMID: 20104584). Information on the frequency of this variant in the gnomAD database is not available, as this variant may be reported differently in the database. This variant has not been reported in the literature in individuals affected with BRCA1-related conditions. For these reasons, this variant has been classified as Pathogenic.

Literature cited by the submitters: PubMed 20104584.